The following is an entry in ClinVar:

NM_000228.3(LAMB3):c.967G>T (p.Glu323Ter)

Gene: LAMB3 (laminin subunit beta 3; minus strand). Cytogenetic location: 1q32.2.
Variant type: single nucleotide variant.
Coding change: c.967G>T on transcript NM_000228.3 (MANE Select); coding-DNA position 967, G replaced by T.
Protein change: p.Glu323Ter; replaces glutamic acid 323 with a stop codon.
Molecular consequence: nonsense.
Genome position (GRCh38, 1-based): chr1:209,629,902, C>A on the plus strand (G>T on the coding strand, the complement: LAMB3 is on the minus strand). VCF-style: chr1-209629902-C-A. GRCh37 (hg19) VCF-style: chr1-209803247-C-A.
Other names: c.967G>T, p.Glu323Ter (NM_001017402.2, NM_001127641.1); short protein forms E323*.
Identifiers: ClinVar variation 2859438 (VCV002859438.3), dbSNP rs1666616178, ClinGen allele CA344592884.

ClinVar aggregate classification (germline): Pathogenic (1 of 4 stars; one submission).

Submission:

Labcorp Genetics (formerly Invitae), Labcorp
Classification: Pathogenic. Last evaluated: 2023-04-26. Review status: criteria provided, single submitter. Criteria: Invitae Variant Classification Sherloc (09022015). Collection method: clinical testing. Allele origin: germline.
Comment: This variant is not present in population databases (gnomAD no frequency). This sequence change creates a premature translational stop signal (p.Glu323*) in the LAMB3 gene. It is expected to result in an absent or disrupted protein product. Loss-of-function variants in LAMB3 are known to be pathogenic (PMID: 11023379, 16473856). This variant has not been reported in the literature in individuals affected with LAMB3-related conditions. Algorithms developed to predict the effect of sequence changes on RNA splicing suggest that this variant may create or strengthen a splice site. For these reasons, this variant has been classified as Pathogenic.

Literature cited by the submitters: PubMed 11023379; PubMed 16473856.